The following is an entry in ClinVar:

NM_182961.4(SYNE1):c.7713-202T>C

Gene: SYNE1 (spectrin repeat containing nuclear envelope protein 1; minus strand). Cytogenetic location: 6q25.2.
Variant type: single nucleotide variant.
Coding change: c.7713-202T>C on transcript NM_182961.4 (MANE Select); 202 bases into the intron before coding-DNA position 7713, T replaced by C.
Molecular consequence: intron variant.
Genome position (GRCh38, 1-based): chr6:152,391,770, A>G on the plus strand (T>C on the coding strand, the complement: SYNE1 is on the minus strand). VCF-style: chr6-152391770-A-G. GRCh37 (hg19) VCF-style: chr6-152712905-A-G.
Other names: c.7734-202T>C (NM_033071.5).
Identifiers: ClinVar variation 670670 (VCV000670670.1), dbSNP rs214945, ClinGen allele CA15430556.

ClinVar aggregate classification (germline): Benign (1 of 4 stars; one submission).

Allele frequency attached by ClinVar (database versions not stated): gnomAD 0.50079 and 0.50197; TOPMed 0.51139; 1000 Genomes Project 0.58506; 1000 Genomes Project 30x 0.58557.
gnomAD v4.1: 75,870 of 151,608 alleles (50%); highest among the groups gnomAD compares: African/African-American, 76%; 21,479 homozygotes.

Submission:

GeneDx
Classification: Benign. Last evaluated: 2018-06-14. Review status: criteria provided, single submitter. Criteria: GeneDx Variant Classification (06012015). Collection method: clinical testing. Allele origin: germline. Affected: yes.
Comment: This variant is considered likely benign or benign based on one or more of the following criteria: it is a conservative change, it occurs at a poorly conserved position in the protein, it is predicted to be benign by multiple in silico algorithms, and/or has population frequency not consistent with disease.